The following is an entry in ClinVar:

NM_002547.3(OPHN1):c.116_127dup (p.Asp42_Gly43insValIleLysAsp)

Gene: OPHN1 (oligophrenin 1; minus strand). Cytogenetic location: Xq12.
Variant type: Duplication.
Coding change: c.116_127dup on transcript NM_002547.3 (MANE Select); coding-DNA positions 116 to 127, 12 bases duplicated (TAATCAAAGACG).
Protein change: p.Asp42_Gly43insValIleLysAsp.
Genome position (GRCh38, 1-based): chrX:68,432,894-68,432,905, CGTCTTTGATTA duplicated on the plus strand (TAATCAAAGACG on the coding strand, the reverse complement: OPHN1 is on the minus strand); duplicating any 12 consecutive bases within chrX:68,432,894-68,432,915 gives the same sequence; the c. name uses the placement nearest the transcript's 3' end. VCF-style (leftmost placement, unchanged base first): chrX-68432893-C-CCGTCTTTGATTA. GRCh37 (hg19) VCF-style: chrX-67652735-C-CCGTCTTTGATTA.
Other names: c.116_127dup, p.Asp42_Gly43insValIleLysAsp (NM_001437258.1).
Identifiers: ClinVar variation 5017357 (VCV005017357.1).

ClinVar aggregate classification (germline): Uncertain significance (1 of 4 stars; one submission).

Submission:

GeneDx
Classification: Uncertain significance. Last evaluated: 2026-03-27. Review status: criteria provided, single submitter. Criteria: GeneDx Variant Classification Process June 2021. Collection method: clinical testing. Allele origin: germline.
Comment: Not observed at significant frequency in large population cohorts (gnomAD); In-frame duplication of 4 amino acid(s) in a non-repeat region; Has not been previously published as pathogenic or benign to our knowledge